The following is an entry in ClinVar:

ClinVar aggregate classification (germline): Uncertain significance (1 of 4 stars; one submission).

Allele frequency attached by ClinVar (database versions not stated): gnomAD exomes below 0.00001; gnomAD 0.00001; TOPMed 0.00001.
gnomAD v4.1: 4 of 1,614,046 alleles (0.00025%); highest among the groups gnomAD compares: African/African-American, 0.0013%; no homozygotes.

Submission:

Labcorp Genetics (formerly Invitae), Labcorp
Classification: Uncertain significance. Last evaluated: 2022-12-12. Review status: criteria provided, single submitter. Criteria: Invitae Variant Classification Sherloc (09022015). Collection method: clinical testing. Allele origin: germline.
Comment: This sequence change replaces proline, which is neutral and non-polar, with leucine, which is neutral and non-polar, at codon 29 of the CSF2RB protein (p.Pro29Leu). This variant is present in population databases (no rsID available, gnomAD 0.007%). This variant has not been reported in the literature in individuals affected with CSF2RB-related conditions. Advanced modeling of protein sequence and biophysical properties (such as structural, functional, and spatial information, amino acid conservation, physicochemical variation, residue mobility, and thermodynamic stability) performed at Invitae indicates that this missense variant is not expected to disrupt CSF2RB protein function. In summary, the available evidence is currently insufficient to determine the role of this variant in disease. Therefore, it has been classified as a Variant of Uncertain Significance.

NM_000395.3(CSF2RB):c.86C>T (p.Pro29Leu)

Gene: CSF2RB (colony stimulating factor 2 receptor subunit beta; plus strand). Cytogenetic location: 22q12.3.
Variant type: single nucleotide variant.
Coding change: c.86C>T on transcript NM_000395.3 (MANE Select); coding-DNA position 86, C replaced by T.
Protein change: p.Pro29Leu; replaces proline 29 with leucine.
Molecular consequence: missense variant.
Genome position (GRCh38, 1-based): chr22:36,923,253, C>T. VCF-style: chr22-36923253-C-T. GRCh37 (hg19) VCF-style: chr22-37319295-C-T.
Other names: c.86C>T, p.Pro29Leu (NM_001410827.1); short protein forms P29L.
Identifiers: ClinVar variation 3000500 (VCV003000500.3), dbSNP rs1355757434, ClinGen allele CA411401414.